The following is an entry in ClinVar:

NM_016507.4(CDK12):c.1379C>G (p.Thr460Ser)

Gene: CDK12 (cyclin dependent kinase 12; plus strand). Cytogenetic location: 17q12.
Variant type: single nucleotide variant.
Coding change: c.1379C>G on transcript NM_016507.4 (MANE Select); coding-DNA position 1379, C replaced by G.
Protein change: p.Thr460Ser; replaces threonine 460 with serine.
Molecular consequence: missense variant.
Genome position (GRCh38, 1-based): chr17:39,471,211, C>G. VCF-style: chr17-39471211-C-G. GRCh37 (hg19) VCF-style: chr17-37627464-C-G.
Other names: c.1379C>G, p.Thr460Ser (NM_015083.4); short protein forms T460S.
Identifiers: ClinVar variation 3999430 (VCV003999430.1).

ClinVar aggregate classification (germline): Uncertain significance (1 of 4 stars; one submission).

gnomAD v4.1: 1 of 1,590,548 alleles (0.000063%); highest among the groups gnomAD compares: Non-Finnish European, 0.000085%; no homozygotes.

Submission:

Ambry Genetics
Classification: Uncertain significance. Last evaluated: 2025-05-05. Review status: criteria provided, single submitter. Criteria: Ambry Variant Classification Scheme 2023. Collection method: clinical testing. Allele origin: germline.
Comment: The p.T460S variant (also known as c.1379C>G), located in coding exon 2 of the CDK12 gene, results from a C to G substitution at nucleotide position 1379. The threonine at codon 460 is replaced by serine, an amino acid with similar properties. This amino acid position is conserved. In addition, this alteration is predicted to be tolerated by in silico analysis. Based on the available evidence, the clinical significance of this variant remains unclear.